The following is an entry in ClinVar:

NM_001363711.2(DUOX2):c.4352T>C (p.Val1451Ala)

Gene: DUOX2 (dual oxidase 2; minus strand). Cytogenetic location: 15q21.1.
Variant type: single nucleotide variant.
Coding change: c.4352T>C on transcript NM_001363711.2 (MANE Select); coding-DNA position 4352, T replaced by C.
Protein change: p.Val1451Ala; replaces valine 1451 with alanine.
Molecular consequence: missense variant.
Genome position (GRCh38, 1-based): chr15:45,094,979, A>G on the plus strand (T>C on the coding strand, the complement: DUOX2 is on the minus strand). VCF-style: chr15-45094979-A-G. GRCh37 (hg19) VCF-style: chr15-45387177-A-G.
Other names: c.4352T>C, p.Val1451Ala (NM_014080.5); short protein forms V1451A.
Identifiers: ClinVar variation 1952722 (VCV001952722.5), dbSNP rs2504737512, ClinGen allele CA392250431.

ClinVar aggregate classification (germline): Uncertain significance (1 of 4 stars; one submission).

Submission:

Labcorp Genetics (formerly Invitae), Labcorp
Classification: Uncertain significance. Last evaluated: 2022-06-04. Review status: criteria provided, single submitter. Criteria: Invitae Variant Classification Sherloc (09022015). Collection method: clinical testing. Allele origin: germline.
Comment: In summary, the available evidence is currently insufficient to determine the role of this variant in disease. Therefore, it has been classified as a Variant of Uncertain Significance. Advanced modeling of protein sequence and biophysical properties (such as structural, functional, and spatial information, amino acid conservation, physicochemical variation, residue mobility, and thermodynamic stability) performed at Invitae indicates that this missense variant is not expected to disrupt DUOX2 protein function. This variant has not been reported in the literature in individuals affected with DUOX2-related conditions. This variant is not present in population databases (gnomAD no frequency). This sequence change replaces valine, which is neutral and non-polar, with alanine, which is neutral and non-polar, at codon 1451 of the DUOX2 protein (p.Val1451Ala).